The following is an entry in ClinVar:

NM_001042492.3(NF1):c.2884G>T (p.Glu962Ter)

Gene: NF1 (neurofibromin 1; plus strand). Cytogenetic location: 17q11.2.
Variant type: single nucleotide variant.
Coding change: c.2884G>T on transcript NM_001042492.3 (MANE Select); coding-DNA position 2884, G replaced by T.
Protein change: p.Glu962Ter; replaces glutamic acid 962 with a stop codon.
Molecular consequence: nonsense.
Genome position (GRCh38, 1-based): chr17:31,229,868, G>T. VCF-style: chr17-31229868-G-T. GRCh37 (hg19) VCF-style: chr17-29556886-G-T.
Other names: c.2884G>T, p.Glu962Ter (NM_000267.4); short protein forms E962*.
Identifiers: ClinVar variation 2972854 (VCV002972854.3), dbSNP rs2151430563, ClinGen allele CA398986070.

ClinVar aggregate classification (germline): Pathogenic (1 of 4 stars; one submission).

Conditions:
Neurofibromatosis, type 1 (NF1). Also called: Peripheral type neurofibromatosis; NEUROFIBROMATOSIS, TYPE I, SOMATIC; Neurofibromatosis, type I; VON RECKLINGHAUSEN DISEASE. Identifiers: Orphanet 636, MedGen C0027831, MONDO:0018975, OMIM 162200. Disease mechanism: loss of function.

Submission:

Labcorp Genetics (formerly Invitae), Labcorp
Classification: Pathogenic for Neurofibromatosis, type 1. Last evaluated: 2025-12-08. Review status: criteria provided, single submitter. Criteria: Invitae Variant Classification Sherloc (09022015). Collection method: clinical testing. Allele origin: germline.
Comment: This sequence change creates a premature translational stop signal (p.Glu962*) in the NF1 gene. It is expected to result in an absent or disrupted protein product. Loss-of-function variants in NF1 are known to be pathogenic (PMID: 10712197, 23913538). This variant is not present in population databases (gnomAD no frequency). This premature translational stop signal has been observed in individual(s) with neurofibromatosis type I (NF1) (PMID: 31573083, 34418705; internal data). Invitae Evidence Modeling of clinical and family history, age, sex, and reported ancestry of multiple individuals with this NF1 variant has been performed. This variant is expected to be pathogenic with a positive predictive value of at least 99%. This is a validated machine learning model that incorporates the clinical features of 1,785,918 individuals referred to our laboratory for NF1 testing. ClinVar contains an entry for this variant (Variation ID: 2972854). Algorithms developed to predict the effect of sequence changes on RNA splicing suggest that this variant may disrupt the consensus splice site. For these reasons, this variant has been classified as Pathogenic.

Literature cited by the submitters: PubMed 10712197; PubMed 23913538; PubMed 31573083; PubMed 34418705.